The following is an entry in ClinVar:

ClinVar aggregate classification (germline): Conflicting classifications of pathogenicity. Review status: criteria provided, conflicting classifications (1 of 4 stars). 3 submissions from 3 submitters: Uncertain significance (2); Likely benign (1). Last evaluated 2021-12-20.

Allele frequency attached by ClinVar (database versions not stated): gnomAD exomes 0.00001; ExAC 0.00002; TOPMed 0.00002; gnomAD 0.00003.

Submissions (3):

Revvity Omics, Revvity
Classification: Uncertain significance. Last evaluated: 2021-12-20. Review status: criteria provided, single submitter. Criteria: ACMG Guidelines, 2015. Collection method: clinical testing. Allele origin: germline.

Mayo Clinic Laboratories, Mayo Clinic
Classification: Uncertain significance. Last evaluated: 2020-12-21. Review status: criteria provided, single submitter. Criteria: ACMG Guidelines, 2015. Collection method: clinical testing. Allele origin: germline. Observed: 1 variant allele.

GeneDx
Classification: Likely benign. Last evaluated: 2017-12-20. Review status: criteria provided, single submitter. Criteria: GeneDx Variant Classification (06012015). Collection method: clinical testing. Allele origin: germline. Affected: yes.
Comment: This variant is considered likely benign or benign based on one or more of the following criteria: it is a conservative change, it occurs at a poorly conserved position in the protein, it is predicted to be benign by multiple in silico algorithms, and/or has population frequency not consistent with disease.

NM_001267550.2(TTN):c.46147G>C (p.Glu15383Gln)

Gene: TTN (titin; minus strand). Cytogenetic location: 2q31.2.
Variant type: single nucleotide variant.
Coding change: c.46147G>C on transcript NM_001267550.2 (MANE Select); coding-DNA position 46147, G replaced by C.
Protein change: p.Glu15383Gln; replaces glutamic acid 15383 with glutamine.
Molecular consequence: missense variant.
Genome position (GRCh38, 1-based): chr2:178,620,374, C>G on the plus strand (G>C on the coding strand, the complement: TTN is on the minus strand). VCF-style: chr2-178620374-C-G. GRCh37 (hg19) VCF-style: chr2-179485101-C-G.
Other names: c.41224G>C, p.Glu13742Gln (NM_001256850.1); c.18952G>C, p.Glu6318Gln (NM_003319.4); c.38443G>C, p.Glu12815Gln (NM_133378.4); c.19327G>C, p.Glu6443Gln (NM_133432.3); c.19528G>C, p.Glu6510Gln (NM_133437.4); short protein forms E13742Q, E15383Q, E12815Q, E6510Q, E6318Q, E6443Q.
Identifiers: ClinVar variation 506575 (VCV000506575.9), dbSNP rs773073914, ClinGen allele CA1995298.
Genomic context (GRCh38, chr2:178,620,374, plus strand): 5'-TGACTGTCTGATCTTCCAAGTGTTCCACAAATTCTGTCGGGGCTTCTATGATGAGAAGCT[C>G]AGCAACAGATTTATCTTGTCCAGCAGTGACAATGTATTCACCTTCATCTGGGAAGCCACA-3'
Protein context (NP_001254479.2, residues 15373-15393): VTAGQDKSVA[Glu15383Gln]LLIIEAPTEF